The following is an entry in ClinVar:

ClinVar aggregate classification (germline): Uncertain significance (1 of 4 stars; one submission).

Conditions:
Epidermolysis bullosa simplex with nail dystrophy (EBS5D). Identifiers: MedGen C4225309, MONDO:0014661, OMIM 616487.
Epidermolysis bullosa simplex, Ogna type (EBS5A). Also called: Pidermolysis bullosa simplex 5A, Ogna type; EPIDERMOLYSIS BULLOSA SIMPLEX 5A, OGNA TYPE. Identifiers: Orphanet 79401, MedGen C0432317, MONDO:0007555, OMIM 131950.
Autosomal recessive limb-girdle muscular dystrophy type 2Q (LGMDR17). Also called: MUSCULAR DYSTROPHY, LIMB-GIRDLE, AUTOSOMAL RECESSIVE 17. Identifiers: Orphanet 254361, MedGen C3150989, MONDO:0013390, OMIM 613723.
Epidermolysis bullosa simplex 5B, with muscular dystrophy (EBS5B). Also called: EPIDERMOLYSIS BULLOSA SIMPLEX AND LIMB-GIRDLE MUSCULAR DYSTROPHY; Epidermolysis bullosa simplex with muscular dystrophy. Identifiers: Orphanet 257, MedGen C2931072, MONDO:0009181, OMIM 226670.
Epidermolysis bullosa simplex 5C, with pyloric atresia (EBS5C). Also called: PLEC-Related Epidermolysis Bullosa with Pyloric Atresia; Epidermolysis bullosa simplex with pyloric atresia; PLEC1-Related Epidermolysis Bullosa with Pyloric Atresia. Identifiers: Orphanet 158684, MedGen C2677349, MONDO:0012807, OMIM 612138.

Submission:

Labcorp Genetics (formerly Invitae), Labcorp
Classification: Uncertain significance for Autosomal recessive limb-girdle muscular dystrophy type 2Q; Epidermolysis bullosa simplex, Ogna type; Epidermolysis bullosa simplex with nail dystrophy; Epidermolysis bullosa simplex 5C, with pyloric atresia; Epidermolysis bullosa simplex 5B, with muscular dystrophy. Last evaluated: 2024-01-31. Review status: criteria provided, single submitter. Criteria: Invitae Variant Classification Sherloc (09022015). Collection method: clinical testing. Allele origin: germline.
Comment: This sequence change replaces alanine, which is neutral and non-polar, with serine, which is neutral and polar, at codon 3101 of the PLEC protein (p.Ala3101Ser). This variant is not present in population databases (gnomAD no frequency). This variant has not been reported in the literature in individuals affected with PLEC-related conditions. An algorithm developed to predict the effect of missense changes on protein structure and function (PolyPhen-2) suggests that this variant is likely to be tolerated. In summary, the available evidence is currently insufficient to determine the role of this variant in disease. Therefore, it has been classified as a Variant of Uncertain Significance.

NM_201384.3(PLEC):c.9220G>T (p.Ala3074Ser)

Gene: PLEC (plectin; minus strand). Cytogenetic location: 8q24.3.
Variant type: single nucleotide variant.
Coding change: c.9220G>T on transcript NM_201384.3 (MANE Select); coding-DNA position 9220, G replaced by T.
Protein change: p.Ala3074Ser; replaces alanine 3074 with serine.
Molecular consequence: missense variant.
Genome position (GRCh38, 1-based): chr8:143,920,601, C>A on the plus strand (G>T on the coding strand, the complement: PLEC is on the minus strand). VCF-style: chr8-143920601-C-A. GRCh37 (hg19) VCF-style: chr8-144994769-C-A.
Other names: c.9301G>T, p.Ala3101Ser (NM_000445.5); c.5920G>T, p.Ala1974Ser (NM_001410941.1); c.9178G>T, p.Ala3060Ser (NM_201378.4); c.9154G>T, p.Ala3052Ser (NM_201379.3); c.9631G>T, p.Ala3211Ser (NM_201380.4); c.9124G>T, p.Ala3042Ser (NM_201381.3); c.9220G>T, p.Ala3074Ser (NM_201382.4); c.9232G>T, p.Ala3078Ser (NM_201383.3); short protein forms A1974S, A3042S, A3052S, A3060S, A3074S, A3078S, A3101S, A3211S.
Identifiers: ClinVar variation 3754299 (VCV003754299.2).